The following is an entry in ClinVar:

ClinVar aggregate classification (germline): Uncertain significance (1 of 4 stars; one submission).

Conditions:
Arrhythmogenic cardiomyopathy with wooly hair and keratoderma. Also called: Carvajal syndrome; PALMOPLANTAR KERATODERMA WITH LEFT VENTRICULAR CARDIOMYOPATHY AND WOOLLY HAIR; Dilated cardiomyopathy with woolly hair and keratoderma; Arrhythmogenic cardiomyopathy with woolly hair and keratoderma. Identifiers: Orphanet 65282, MedGen C1854063, MONDO:0011581, OMIM 605676.

Submission:

All of Us Research Program, National Institutes of Health
Classification: Uncertain significance for Arrhythmogenic cardiomyopathy with wooly hair and keratoderma. Last evaluated: 2024-07-20. Review status: criteria provided, single submitter. Criteria: ACMG Guidelines, 2015. Collection method: clinical testing. Allele origin: germline. Inheritance: Autosomal dominant inheritance. Observed: 1 variant allele, 1 heterozygote.
Comment: This missense variant replaces lysine with asparagine at codon 478 of the DSP protein. Computational prediction suggests that this variant may not impact protein structure and function (internally defined REVEL score threshold <= 0.5, PMID: 27666373). To our knowledge, functional studies have not been reported for this variant. This variant has not been reported in individuals affected with DSP-related disorders in the literature. This variant has not been identified in the general population by the Genome Aggregation Database (gnomAD). The available evidence is insufficient to determine the role of this variant in disease conclusively. Therefore, this variant is classified as a Variant of Uncertain Significance.

This study involves interpretation of variants in research participants for the purpose of population health screening. Participant phenotype was not available at the time of variant classification. Additional details can be found in publication PMID: 35346344, PMCID: PMC8962531

NM_004415.4(DSP):c.1434G>C (p.Lys478Asn)

Gene: DSP (desmoplakin; plus strand). Cytogenetic location: 6p24.3.
Variant type: single nucleotide variant.
Coding change: c.1434G>C on transcript NM_004415.4 (MANE Select); coding-DNA position 1434, G replaced by C.
Protein change: p.Lys478Asn; replaces lysine 478 with asparagine.
Molecular consequence: missense variant.
Genome position (GRCh38, 1-based): chr6:7,569,200, G>C. VCF-style: chr6-7569200-G-C. GRCh37 (hg19) VCF-style: chr6-7569433-G-C.
Other names: c.1434G>C, p.Lys478Asn (NM_001008844.3, NM_001319034.2); short protein forms K478N.
Identifiers: ClinVar variation 3386632 (VCV003386632.1).